The following is an entry in ClinVar:

NM_133259.4(LRPPRC):c.141C>G (p.Pro47=)

Gene: LRPPRC (leucine rich pentatricopeptide repeat containing; minus strand). Cytogenetic location: 2p21.
Variant type: single nucleotide variant.
Coding change: c.141C>G on transcript NM_133259.4 (MANE Select); coding-DNA position 141, C replaced by G.
Protein change: p.Pro47=; no amino-acid change (proline 47 retained).
Molecular consequence: synonymous variant.
Genome position (GRCh38, 1-based): chr2:43,995,807, G>C on the plus strand (C>G on the coding strand, the complement: LRPPRC is on the minus strand). VCF-style: chr2-43995807-G-C. GRCh37 (hg19) VCF-style: chr2-44222946-G-C.
Identifiers: ClinVar variation 766166 (VCV000766166.18), dbSNP rs559176918, ClinGen allele CA46458281.

ClinVar aggregate classification (germline): Conflicting classifications of pathogenicity. Review status: criteria provided, conflicting classifications (1 of 4 stars). 5 submissions from 5 submitters: Uncertain significance (1); Likely benign (3). 1 of the submissions does not count toward it. Last evaluated 2026-06-01.

Conditions:
Congenital lactic acidosis, Saguenay-Lac-Saint-Jean type (MC4DN5). Also called: MITOCHONDRIAL COMPLEX IV DEFICIENCY, NUCLEAR TYPE 5; CYTOCHROME c OXIDASE DEFICIENCY, FRENCH CANADIAN TYPE; COX DEFICIENCY, FRENCH CANADIAN TYPE. Identifiers: Orphanet 70472, MedGen C1857355, MONDO:0009069, OMIM 220111.

Allele frequency attached by ClinVar (database versions not stated): gnomAD exomes 0.00009; TOPMed 0.00015; gnomAD 0.00016.
gnomAD v4.1: 194 of 1,389,010 alleles (0.014%); highest among the groups gnomAD compares: Non-Finnish European, 0.017%; no homozygotes.

Submissions (5):

CeGaT Center for Human Genetics Tuebingen
Classification: Likely benign. Last evaluated: 2026-06-01. Review status: criteria provided, single submitter. Criteria: CeGaT Center For Human Genetics Tuebingen Variant Classification Criteria Version 2. Collection method: clinical testing. Allele origin: germline. Affected: yes. Observed: 1 variant allele.
Comment: LRPPRC: BP4, BP7

Labcorp Genetics (formerly Invitae), Labcorp
Classification: Likely benign. Last evaluated: 2025-11-23. Review status: criteria provided, single submitter. Criteria: Invitae Variant Classification Sherloc (09022015). Collection method: clinical testing. Allele origin: germline.

Blueprint Genetics
Classification: Likely benign. Last evaluated: 2024-08-30. Review status: criteria provided, single submitter. Criteria: ACMG Guidelines, 2015. Collection method: clinical testing. Allele origin: germline.

Illumina Laboratory Services, Illumina
Classification: Uncertain significance for Congenital lactic acidosis, Saguenay-Lac-Saint-Jean type. Last evaluated: 2018-01-12. Review status: criteria provided, single submitter. Criteria: ICSL Variant Classification Criteria 13 December 2019. Collection method: clinical testing. Allele origin: germline.

Natera, Inc.
Classification: Uncertain significance for French-Canadian type Leigh syndrome. Last evaluated: 2020-01-24. Review status: no assertion criteria provided. Collection method: clinical testing. Allele origin: germline. Not counted in ClinVar's aggregate classification.